The following is an entry in ClinVar:

NM_000533.5(PLP1):c.672_674del (p.Leu225del)

Genes: PLP1 (proteolipid protein 1; plus strand), RAB9B (RAB9B, member RAS oncogene family; minus strand). Cytogenetic location: Xq22.2.
Variant type: Deletion.
Coding change: c.672_674del on transcript NM_000533.5 (MANE Select); coding-DNA positions 672 to 674, 3 bases deleted (TCT; older notation c.672_674delTCT).
Protein change: p.Leu225del; deletes leucine 225.
Molecular consequence: inframe deletion.
Genome position (GRCh38, 1-based): chrX:103,788,486-103,788,488, TCT deleted; deleting any 3 consecutive bases within chrX:103,788,484-103,788,488 gives the same sequence; the c. name uses the placement nearest the transcript's 3' end. VCF-style (leftmost placement, unchanged base first): chrX-103788483-CCTT-C. GRCh37 (hg19) VCF-style: chrX-103043412-CCTT-C.
Other names: c.672_674del, p.Leu225del (NM_001128834.3); c.507_509del, p.Leu170del (NM_001305004.1); c.567_569del, p.Leu190del (NM_199478.3); short protein forms L170del, L190del, L225del.
Identifiers: ClinVar variation 1755091 (VCV001755091.2), dbSNP rs2522318178, ClinGen allele CA2580100123.
Genomic context (GRCh38, chrX:103,788,483, plus strand): 5'-TGTGTCTTACTTAGGTGTTCTCCCATGGAATGCTTTCCCTGGCAAGGTTTGTGGCTCCAA[CCTT>C]CTGTCCATCTGCAAAACAGCTGAGGTGAGTGGGTTATTTGGGTTATTTTACAAGGGAGTA-3'

ClinVar aggregate classification (germline): Uncertain significance (1 of 4 stars; one submission).

Conditions:
Inborn genetic diseases. Identifiers: MedGen C0950123, MeSH D030342.

Submission:

Ambry Genetics
Classification: Uncertain significance for Inborn genetic diseases. Last evaluated: 2018-01-12. Review status: criteria provided, single submitter. Criteria: Ambry Variant Classification Scheme 2023. Collection method: clinical testing. Allele origin: germline.
Comment: The c.672_674delTCT variant (also known as p.L225del) is located in coding exon 5 of the PLP1 gene. This variant results from an in-frame TCT deletion at nucleotide positions 672 to 674. This results in the in-frame deletion of a leucine at codon 225. This amino acid position is not well conserved in available vertebrate species. Since supporting evidence is limited at this time, the clinical significance of this alteration remains unclear.